The following is an entry in ClinVar:

NM_000179.3(MSH6):c.3601_3604del (p.Leu1201fs)

Gene: MSH6 (mutS homolog 6; plus strand). Cytogenetic location: 2p16.3.
Variant type: Deletion.
Coding change: c.3601_3604del on transcript NM_000179.3 (MANE Select); coding-DNA positions 3601 to 3604, 4 bases deleted (CTCA; older notation c.3601_3604delCTCA).
Protein change: p.Leu1201fs; shifts the reading frame from leucine 1201.
Molecular consequence: frameshift variant. On other transcripts: non-coding transcript variant (5).
Genome position (GRCh38, 1-based): chr2:47,805,662-47,805,665, CTCA deleted; deleting any 4 consecutive bases within chr2:47,805,661-47,805,665 gives the same sequence; the c. name uses the placement nearest the transcript's 3' end. VCF-style (leftmost placement, unchanged base first): chr2-47805660-TACTC-T. GRCh37 (hg19) VCF-style: chr2-48032799-TACTC-T.
Other names: c.3211_3214del, p.Leu1071fs (NM_001281492.2); c.2695_2698del, p.Leu899fs (NM_001281493.2, NM_001281494.2, NM_001406814.1 and 6 more transcripts); c.3697_3700del, p.Leu1233fs (NM_001406795.1, NM_001406802.1); c.2035_2038del, p.Leu679fs (NM_001406817.1); c.3304_3307del, p.Leu1102fs (NM_001406818.1, NM_001406819.1, NM_001406820.1 and 10 more transcripts); c.3433_3436del, p.Leu1145fs (NM_001406826.1); c.3601_3604del, p.Leu1201fs (NM_001406796.1, NM_001406800.1, NM_001406808.1 and 1 more transcripts); c.3427_3430del, p.Leu1143fs (NM_001406798.1); and 7 more; short protein forms L1026fs, L1175fs, L1071fs, L1233fs, L516fs, L1145fs, L679fs, L899fs.
Identifiers: ClinVar variation 5024870 (VCV005024870.1).

ClinVar aggregate classification (germline): Pathogenic (1 of 4 stars; one submission).

Conditions:
Hereditary cancer-predisposing syndrome. Also called: Neoplastic Syndromes, Hereditary; Tumor predisposition; Hereditary neoplastic syndrome; Hereditary Cancer Syndrome. Identifiers: Orphanet 140162, MedGen C0027672, MeSH D009386, MONDO:0015356.

Submission:

Ambry Genetics
Classification: Pathogenic for Hereditary cancer-predisposing syndrome. Last evaluated: 2026-06-23. Review status: criteria provided, single submitter. Criteria: Ambry Variant Classification Scheme 2023. Collection method: clinical testing. Allele origin: germline.
Comment: The c.3601_3604delCTCA pathogenic mutation, located in coding exon 7 of the MSH6 gene, results from a deletion of 4 nucleotides at nucleotide positions 3601 to 3604, causing a translational frameshift with a predicted alternate stop codon (p.L1201Cfs*14). This variant is considered to be rare based on population cohorts in the Genome Aggregation Database (gnomAD). This alteration is expected to result in loss of function by premature protein truncation or nonsense-mediated mRNA decay. As such, this alteration is interpreted as a disease-causing mutation.